The following is an entry in ClinVar:

ClinVar aggregate classification (germline): Uncertain significance (1 of 4 stars; one submission).

Conditions:
Niemann-Pick disease, type C1. Also called: NIEMANN-PICK DISEASE, VARIANT TYPE C1; NEUROVISCERAL STORAGE DISEASE WITH VERTICAL SUPRANUCLEAR OPHTHALMOPLEGIA; NIEMANN-PICK DISEASE WITH CHOLESTEROL ESTERIFICATION BLOCK; NIEMANN-PICK DISEASE WITHOUT SPHINGOMYELINASE DEFICIENCY; NIEMANN-PICK DISEASE, CHRONIC NEURONOPATHIC FORM. Identifiers: Orphanet 646, MedGen C3179455, MONDO:0009757, OMIM 257220.

Allele frequency attached by ClinVar (database versions not stated): gnomAD exomes below 0.00001; ExAC 0.00001.
gnomAD v4.1: 1 of 1,614,170 alleles (0.000062%); highest among the groups gnomAD compares: African/African-American, 0.0013%; no homozygotes.

Submission:

Labcorp Genetics (formerly Invitae), Labcorp
Classification: Uncertain significance for Niemann-Pick disease, type C1. Last evaluated: 2021-08-23. Review status: criteria provided, single submitter. Criteria: Invitae Variant Classification Sherloc (09022015). Collection method: clinical testing. Allele origin: germline.
Comment: In summary, the available evidence is currently insufficient to determine the role of this variant in disease. Therefore, it has been classified as a Variant of Uncertain Significance. Algorithms developed to predict the effect of missense changes on protein structure and function are either unavailable or do not agree on the potential impact of this missense change (SIFT: "Deleterious"; PolyPhen-2: "Benign"; Align-GVGD: "Class C0"). This variant has not been reported in the literature in individuals affected with NPC1-related conditions. This variant is present in population databases (rs773177148, ExAC 0.01%). This sequence change replaces lysine with threonine at codon 877 of the NPC1 protein (p.Lys877Thr). The lysine residue is moderately conserved and there is a moderate physicochemical difference between lysine and threonine.

NM_000271.5(NPC1):c.2630A>C (p.Lys877Thr)

Gene: NPC1 (NPC intracellular cholesterol transporter 1; minus strand). Cytogenetic location: 18q11.2.
Variant type: single nucleotide variant.
Coding change: c.2630A>C on transcript NM_000271.5 (MANE Select); coding-DNA position 2630, A replaced by C.
Protein change: p.Lys877Thr; replaces lysine 877 with threonine.
Molecular consequence: missense variant.
Genome position (GRCh38, 1-based): chr18:23,539,976, T>G on the plus strand (A>C on the coding strand, the complement: NPC1 is on the minus strand). VCF-style: chr18-23539976-T-G. GRCh37 (hg19) VCF-style: chr18-21119940-T-G.
Other names: short protein forms K877T.
Identifiers: ClinVar variation 1377276 (VCV001377276.6), dbSNP rs773177148, ClinGen allele CA8913011.